The following is an entry in ClinVar:

NM_003848.4(SUCLG2):c.1156A>G (p.Lys386Glu)

Gene: SUCLG2 (succinate-CoA ligase GDP-forming subunit beta; minus strand). Cytogenetic location: 3p14.1.
Variant type: single nucleotide variant.
Coding change: c.1156A>G on transcript NM_003848.4 (MANE Select); coding-DNA position 1156, A replaced by G.
Protein change: p.Lys386Glu; replaces lysine 386 with glutamic acid.
Molecular consequence: missense variant.
Genome position (GRCh38, 1-based): chr3:67,400,758, T>C on the plus strand (A>G on the coding strand, the complement: SUCLG2 is on the minus strand). VCF-style: chr3-67400758-T-C. GRCh37 (hg19) VCF-style: chr3-67451182-T-C.
Other names: c.1156A>G, p.Lys386Glu (NM_001177599.2); short protein forms K386E.
Identifiers: ClinVar variation 4774898 (VCV004774898.1).

ClinVar aggregate classification (germline): Uncertain significance (1 of 4 stars; one submission).

gnomAD v4.1: 1 of 1,611,704 alleles (0.000062%); highest among the groups gnomAD compares: African/African-American, 0.0013%; no homozygotes.

Submission:

Labcorp Genetics (formerly Invitae), Labcorp
Classification: Uncertain significance. Last evaluated: 2025-10-02. Review status: criteria provided, single submitter. Criteria: Invitae Variant Classification Sherloc (09022015). Collection method: clinical testing. Allele origin: germline.
Comment: This sequence change replaces lysine, which is basic and polar, with glutamic acid, which is acidic and polar, at codon 386 of the SUCLG2 protein (p.Lys386Glu). This variant is not present in population databases (gnomAD no frequency). This variant has not been reported in the literature in individuals affected with SUCLG2-related conditions. An algorithm developed to predict the effect of missense changes on protein structure and function (PolyPhen-2) suggests that this variant is likely to be tolerated. In summary, the available evidence is currently insufficient to determine the role of this variant in disease. Therefore, it has been classified as a Variant of Uncertain Significance.